The following is an entry in ClinVar:

NM_003107.3(SOX4):c.536dup (p.Gly180fs)

Gene: SOX4 (SRY-box transcription factor 4; plus strand). Cytogenetic location: 6p22.3.
Variant type: Duplication.
Coding change: c.536dup on transcript NM_003107.3 (MANE Select); coding-DNA position 536, one base duplicated (G; older notation c.536dupG).
Protein change: p.Gly180fs; shifts the reading frame from glycine 180.
Molecular consequence: frameshift variant.
Genome position (GRCh38, 1-based): chr6:21,595,070, G duplicated; the last of 6 consecutive G bases (chr6:21,595,065-21,595,070); duplicating any one gives the same sequence. VCF-style (leftmost placement, unchanged base first): chr6-21595064-C-CG. GRCh37 (hg19) VCF-style: chr6-21595295-C-CG.
Other names: short protein forms G180fs.
Identifiers: ClinVar variation 4072729 (VCV004072729.1).

ClinVar aggregate classification (germline): Uncertain significance (1 of 4 stars; one submission).

Submission:

GeneDx
Classification: Uncertain significance. Last evaluated: 2025-02-03. Review status: criteria provided, single submitter. Criteria: GeneDx Variant Classification Process June 2021. Collection method: clinical testing. Allele origin: germline. Affected: yes.
Comment: Frameshift variant predicted to result in abnormal protein length as the last 295 amino acid(s) are replaced with 32 different amino acid(s); Not observed at significant frequency in large population cohorts (gnomAD); Has not been previously published as pathogenic or benign to our knowledge